The following is an entry in ClinVar:

NM_018668.5(VPS33B):c.434T>C (p.Leu145Ser)

Gene: VPS33B (VPS33B late endosome and lysosome associated; minus strand). Cytogenetic location: 15q26.1.
Variant type: single nucleotide variant.
Coding change: c.434T>C on transcript NM_018668.5 (MANE Select); coding-DNA position 434, T replaced by C.
Protein change: p.Leu145Ser; replaces leucine 145 with serine.
Molecular consequence: missense variant.
Genome position (GRCh38, 1-based): chr15:91,007,934, A>G on the plus strand (T>C on the coding strand, the complement: VPS33B is on the minus strand). VCF-style: chr15-91007934-A-G. GRCh37 (hg19) VCF-style: chr15-91551164-A-G.
Other names: c.353T>C, p.Leu118Ser (NM_001289148.1); c.161T>C, p.Leu54Ser (NM_001289149.1); short protein forms L118S, L145S, L54S.
Identifiers: ClinVar variation 988826 (VCV000988826.4), dbSNP rs778351669, ClinGen allele CA7745060.

ClinVar aggregate classification (germline): Uncertain significance. Review status: criteria provided, single submitter (1 of 4 stars). 2 submissions from 2 submitters: Uncertain significance (1). 1 of the submissions does not count toward it. Last evaluated 2023-12-22.

Conditions:
Abnormal bleeding. Also called: Bleeding diathesis. Identifiers: MedGen C1458140, HP:0001892.
Thrombocytopenia. Identifiers: MedGen C0040034, MeSH D013921, MONDO:0002049, HP:0001873.

Allele frequency attached by ClinVar (database versions not stated): gnomAD 0.00001; gnomAD exomes 0.00001 and 0.00002; ExAC 0.00002; TOPMed below 0.00001.
gnomAD v4.1: 19 of 1,614,102 alleles (0.0012%); highest among the groups gnomAD compares: Non-Finnish European, 0.0015%; no homozygotes.

Submissions (2):

Labcorp Genetics (formerly Invitae), Labcorp
Classification: Uncertain significance. Last evaluated: 2023-12-22. Review status: criteria provided, single submitter. Criteria: Invitae Variant Classification Sherloc (09022015). Collection method: clinical testing. Allele origin: germline.
Comment: This sequence change replaces leucine, which is neutral and non-polar, with serine, which is neutral and polar, at codon 145 of the VPS33B protein (p.Leu145Ser). This variant is present in population databases (rs778351669, gnomAD 0.004%). This variant has not been reported in the literature in individuals affected with VPS33B-related conditions. ClinVar contains an entry for this variant (Variation ID: 988826). Advanced modeling of protein sequence and biophysical properties (such as structural, functional, and spatial information, amino acid conservation, physicochemical variation, residue mobility, and thermodynamic stability) performed at Invitae indicates that this missense variant is expected to disrupt VPS33B protein function with a positive predictive value of 80%. In summary, the available evidence is currently insufficient to determine the role of this variant in disease. Therefore, it has been classified as a Variant of Uncertain Significance.

Birmingham Platelet Group; University of Birmingham
Classification: Uncertain significance for Thrombocytopenia; Abnormal bleeding. Last evaluated: 2020-05-01. Review status: no assertion criteria provided. Collection method: research. Allele origin: germline. Affected: yes. Not counted in ClinVar's aggregate classification.